The following is an entry in ClinVar:

NM_001244008.2(KIF1A):c.959-3C>T

Gene: KIF1A (kinesin family member 1A; minus strand). Cytogenetic location: 2q37.3.
Variant type: single nucleotide variant.
Coding change: c.959-3C>T on transcript NM_001244008.2 (MANE Select); 3 bases into the intron before coding-DNA position 959, C replaced by T.
Molecular consequence: intron variant.
Genome position (GRCh38, 1-based): chr2:240,774,264, G>A on the plus strand (C>T on the coding strand, the complement: KIF1A is on the minus strand). VCF-style: chr2-240774264-G-A. GRCh37 (hg19) VCF-style: chr2-241713681-G-A.
Other names: c.959-3C>T (NM_001379653.1, NM_001379650.1, NM_001379645.1 and 20 more transcripts).
Identifiers: ClinVar variation 1468631 (VCV001468631.6), dbSNP rs572537873, ClinGen allele CA2208566.
Genomic context (GRCh38, chr2:240,774,264, plus strand): 5'-TCGTAGTTGATGTCTGCAGGACTCAAGGCTGCCACCATAGCTGTCCTTGAGTTACCGCCT[G>A]TGGGAAGAAGACCAGGTTGTGCCCAGAGGGGGATCTAGGCCCCAGGGCTATGTCTGCTCC-3'

ClinVar aggregate classification (germline): Uncertain significance (1 of 4 stars; one submission).

Conditions:
Hereditary spastic paraplegia 30. Identifiers: Orphanet 101010, MedGen C5235139, MONDO:0012476.
Neuropathy, hereditary sensory, type 2C. Also called: KIF1A-Related HSAN2 (HSAN2C); Hereditary sensory and autonomic neuropathy type IIC. Identifiers: Orphanet 970, MedGen C3280168, MONDO:0013634, OMIM 614213.
Intellectual disability, autosomal dominant 9 (NESCAVS). Also called: KIF1A-Related Neurodevelopmental Disorder; NESCAV SYNDROME. Identifiers: Orphanet 662367, MedGen C5393830, MONDO:0013656, OMIM 614255.

Allele frequency attached by ClinVar (database versions not stated): gnomAD exomes below 0.00001 and 0.00002; ExAC 0.00003; gnomAD 0.00005; TOPMed 0.00005; 1000 Genomes Project 30x 0.00016; 1000 Genomes Project 0.00020.
gnomAD v4.1: 14 of 1,607,078 alleles (0.00087%); highest among the groups gnomAD compares: African/African-American, 0.016%; no homozygotes.

Submission:

Labcorp Genetics (formerly Invitae), Labcorp
Classification: Uncertain significance for Hereditary spastic paraplegia 30; Neuropathy, hereditary sensory, type 2C; Intellectual disability, autosomal dominant 9. Last evaluated: 2025-05-02. Review status: criteria provided, single submitter. Criteria: Invitae Variant Classification Sherloc (09022015). Collection method: clinical testing. Allele origin: germline.
Comment: This sequence change falls in intron 10 of the KIF1A gene. It does not directly change the encoded amino acid sequence of the KIF1A protein. It affects a nucleotide within the consensus splice site. This variant is present in population databases (rs572537873, gnomAD 0.03%). This variant has not been reported in the literature in individuals affected with KIF1A-related conditions. ClinVar contains an entry for this variant (Variation ID: 1468631). Variants that disrupt the consensus splice site are a relatively common cause of aberrant splicing (PMID: 17576681, 9536098). Algorithms developed to predict the effect of sequence changes on RNA splicing suggest that this variant is not likely to affect RNA splicing. In summary, the available evidence is currently insufficient to determine the role of this variant in disease. Therefore, it has been classified as a Variant of Uncertain Significance.

Literature cited by the submitters: PubMed 17576681; PubMed 9536098.